The following is an entry in ClinVar:

ClinVar aggregate classification (germline): Pathogenic. Review status: reviewed by expert panel (3 of 4 stars). 5 submissions from 5 submitters: Pathogenic (1). 4 of the submissions do not count toward it. Last evaluated 2016-10-18.

Conditions:
Hereditary cancer-predisposing syndrome. Also called: Neoplastic Syndromes, Hereditary; Hereditary Cancer Syndrome; Tumor predisposition; Hereditary neoplastic syndrome. Identifiers: Orphanet 140162, MedGen C0027672, MeSH D009386, MONDO:0015356.
Hereditary breast ovarian cancer syndrome. Also called: Hereditary breast and ovarian cancer syndrome (HBOC); BRCA1- and BRCA2-Associated Hereditary Breast and Ovarian Cancer; Hereditary breast and ovarian cancer; Breast and ovarian cancer; Hereditary breast and ovarian cancer syndrome; Hereditary breast and/or ovarian cancer syndrome. Identifiers: Orphanet 145, MedGen C0677776, MeSH D061325, MONDO:0003582. Disease mechanism: loss of function.
Breast-ovarian cancer, familial, susceptibility to, 2 (BROVCA2). Also called: BRCA2 Hereditary Breast and Ovarian Cancer. Identifiers: Orphanet 145, MedGen C2675520, MONDO:0012933, OMIM 612555. Disease mechanism: loss of function.

Submissions (5):

Evidence-based Network for the Interpretation of Germline Mutant Alleles (ENIGMA)
Classification: Pathogenic for Breast-ovarian cancer, familial, susceptibility to, 2. Last evaluated: 2016-10-18. Review status: reviewed by expert panel. Criteria: ENIGMA BRCA1/2 Classification Criteria (2015). Collection method: curation. Allele origin: germline.
Comment: Variant allele predicted to encode a truncated non-functional protein.

Myriad Genetics, Inc.
Classification: Pathogenic for Breast-ovarian cancer, familial, susceptibility to, 2. Last evaluated: 2026-02-24. Review status: criteria provided, single submitter. Criteria: Myriad Autosomal Dominant, Autosomal Recessive and X-Linked Classification Criteria (2023). Collection method: clinical testing. Allele origin: unknown. Not counted in ClinVar's aggregate classification.
Comment: This variant is considered pathogenic. This variant creates a termination codon and is predicted to result in premature protein truncation.

Ambry Genetics
Classification: Pathogenic for Hereditary cancer-predisposing syndrome. Last evaluated: 2024-11-20. Review status: criteria provided, single submitter. Criteria: Ambry Variant Classification Scheme 2023. Collection method: clinical testing. Allele origin: germline. Not counted in ClinVar's aggregate classification.
Comment: The c.5580_5583delAAAA pathogenic mutation, located in coding exon 10 of the BRCA2 gene, results from a deletion of 4 nucleotides at nucleotide positions 5580 to 5583, causing a translational frameshift with a predicted alternate stop codon (p.K1861*). This variant is considered to be rare based on population cohorts in the Genome Aggregation Database (gnomAD). This alteration is expected to result in loss of function by premature protein truncation or nonsense-mediated mRNA decay. As such, this alteration is interpreted as a disease-causing mutation.

Labcorp Genetics (formerly Invitae), Labcorp
Classification: Pathogenic for Hereditary breast ovarian cancer syndrome. Last evaluated: 2023-11-21. Review status: criteria provided, single submitter. Criteria: Invitae Variant Classification Sherloc (09022015). Collection method: clinical testing. Allele origin: germline. Not counted in ClinVar's aggregate classification.
Comment: This sequence change creates a premature translational stop signal (p.Lys1861*) in the BRCA2 gene. It is expected to result in an absent or disrupted protein product. Loss-of-function variants in BRCA2 are known to be pathogenic (PMID: 20104584). This variant is not present in population databases (gnomAD no frequency). This variant has not been reported in the literature in individuals affected with BRCA2-related conditions. ClinVar contains an entry for this variant (Variation ID: 266882). For these reasons, this variant has been classified as Pathogenic.

Consortium of Investigators of Modifiers of BRCA1/2 (CIMBA), c/o University of Cambridge
Classification: Pathogenic for Breast-ovarian cancer, familial, susceptibility to, 2. Last evaluated: 2015-10-02. Review status: criteria provided, single submitter. Criteria: CIMBA Mutation Classification guidelines May 2016. Collection method: clinical testing. Allele origin: germline. Not counted in ClinVar's aggregate classification.

Literature cited by the submitters: PubMed 20104584 (cited by Labcorp Genetics (formerly Invitae), Labcorp).

NM_000059.4(BRCA2):c.5580_5583del (p.Lys1860_Lys1861insTer)

Gene: BRCA2 (BRCA2 DNA repair associated; plus strand). Cytogenetic location: 13q13.1.
Variant type: Deletion.
Coding change: c.5580_5583del on transcript NM_000059.4 (MANE Select); coding-DNA positions 5580 to 5583, 4 bases deleted (AAAA; older notation c.5580_5583delAAAA).
Protein change: p.Lys1860_Lys1861insTer.
Molecular consequence: frameshift variant.
Genome position (GRCh38, 1-based): chr13:32,339,935-32,339,938, AAAA deleted; deleting any 4 consecutive bases within chr13:32,339,933-32,339,938 gives the same sequence; the c. name uses the placement nearest the transcript's 3' end. VCF-style (leftmost placement, unchanged base first): chr13-32339932-TAAAA-T. GRCh37 (hg19) VCF-style: chr13-32914069-TAAAA-T.
Other names: 5804 del4 1862 X; c.5580_5583delAAAA (NM_000059.3).
Identifiers: ClinVar variation 266882 (VCV000266882.12), dbSNP rs397507790, ClinGen allele CA10589319.
Genomic context (GRCh38, chr13:32,339,932, plus strand): 5'-AGGGCCACCTGCATTTAGGATAGCCAGTGGTAAAATCGTTTGTGTTTCACATGAAACAAT[TAAAA>T]AAGTGAAAGACATATTTACAGACAGTTTCAGTAAAGTAATTAAGGAAAACAACGAGAATA-3'